The following is an entry in ClinVar:

NM_006947.4(SRP72):c.1443T>G (p.Ile481Met)

Gene: SRP72 (signal recognition particle 72; plus strand). Cytogenetic location: 4q12.
Variant type: single nucleotide variant.
Coding change: c.1443T>G on transcript NM_006947.4 (MANE Select); coding-DNA position 1443, T replaced by G.
Protein change: p.Ile481Met; replaces isoleucine 481 with methionine.
Molecular consequence: missense variant. On other transcripts: non-coding transcript variant (1).
Genome position (GRCh38, 1-based): chr4:56,490,586, T>G. VCF-style: chr4-56490586-T-G. GRCh37 (hg19) VCF-style: chr4-57356752-T-G.
Other names: c.1260T>G, p.Ile420Met (NM_001267722.2); short protein forms I420M, I481M.
Identifiers: ClinVar variation 4589621 (VCV004589621.1).

ClinVar aggregate classification (germline): Uncertain significance (1 of 4 stars; one submission).

Submission:

Ambry Genetics
Classification: Uncertain significance. Last evaluated: 2025-11-07. Review status: criteria provided, single submitter. Criteria: Ambry Variant Classification Scheme 2023. Collection method: clinical testing. Allele origin: germline.
Comment: The p.I481M variant (also known as c.1443T>G), located in coding exon 15 of the SRP72 gene, results from a T to G substitution at nucleotide position 1443. The isoleucine at codon 481 is replaced by methionine, an amino acid with highly similar properties. This amino acid position is conserved. In addition, this alteration is predicted to be tolerated by in silico analysis. Based on the available evidence, the clinical significance of this variant remains unclear.